The following is an entry in ClinVar:

NM_004736.4(XPR1):c.395A>C (p.Lys132Thr)

Gene: XPR1 (xenotropic and polytropic retrovirus receptor 1; plus strand). Cytogenetic location: 1q25.3.
Variant type: single nucleotide variant.
Coding change: c.395A>C on transcript NM_004736.4 (MANE Select); coding-DNA position 395, A replaced by C.
Protein change: p.Lys132Thr; replaces lysine 132 with threonine.
Molecular consequence: missense variant. On other transcripts: non-coding transcript variant (1).
Genome position (GRCh38, 1-based): chr1:180,803,559, A>C. VCF-style: chr1-180803559-A-C. GRCh37 (hg19) VCF-style: chr1-180772695-A-C.
Other names: c.395A>C, p.Lys132Thr (NM_001135669.2, NM_001328662.2); short protein forms K132T.
Identifiers: ClinVar variation 1304787 (VCV001304787.2), dbSNP rs2102118348, ClinGen allele CA343843258.

ClinVar aggregate classification (germline): Uncertain significance (1 of 4 stars; one submission).

Submission:

GeneDx
Classification: Uncertain significance. Last evaluated: 2019-10-09. Review status: criteria provided, single submitter. Criteria: GeneDx Variant Classification Process June 2021. Collection method: clinical testing. Allele origin: germline. Affected: yes.
Comment: Not observed in large population cohorts (Lek et al., 2016); In silico analysis, which includes protein predictors and evolutionary conservation, supports a deleterious effect; Has not been previously published as pathogenic or benign to our knowledge